The following is an entry in ClinVar:

NM_001330260.2(SCN8A):c.689C>T (p.Thr230Ile)

Gene: SCN8A (sodium voltage-gated channel alpha subunit 8; plus strand). Cytogenetic location: 12q13.13.
Variant type: single nucleotide variant.
Coding change: c.689C>T on transcript NM_001330260.2 (MANE Select); coding-DNA position 689, C replaced by T.
Protein change: p.Thr230Ile; replaces threonine 230 with isoleucine.
Molecular consequence: missense variant. On other transcripts: intron variant (2).
Genome position (GRCh38, 1-based): chr12:51,689,079, C>T. VCF-style: chr12-51689079-C-T. GRCh37 (hg19) VCF-style: chr12-52082863-C-T.
Other names: c.689C>T, p.Thr230Ile (NM_001369788.1); c.706+230C>T (NM_014191.4, NM_001177984.3); short protein forms T230I.
Identifiers: ClinVar variation 2706939 (VCV002706939.3), dbSNP rs2540159279, ClinGen allele CA385224857.

ClinVar aggregate classification (germline): Uncertain significance (1 of 4 stars; one submission).

Conditions:
Early-infantile DEE. Also called: Ohtahara syndrome; Early infantile epileptic encephalopathy with suppression bursts; Early infantile epileptic encephalopathy. Identifiers: Orphanet 1934, MedGen C0393706, MONDO:0800491.

Submission:

Labcorp Genetics (formerly Invitae), Labcorp
Classification: Uncertain significance for Early-infantile DEE. Last evaluated: 2024-01-01. Review status: criteria provided, single submitter. Criteria: Invitae Variant Classification Sherloc (09022015). Collection method: clinical testing. Allele origin: germline.
Comment: The SCN8A gene has multiple clinically relevant transcripts. This variant occurs in alternate transcript NM_001330260.1, and corresponds to NM_014191.3:c.706+230C>T in the primary transcript. This sequence change replaces threonine, which is neutral and polar, with isoleucine, which is neutral and non-polar, at codon 230 of the SCN8A protein (p.Thr230Ile). This variant is not present in population databases (gnomAD no frequency). This variant has not been reported in the literature in individuals affected with SCN8A-related conditions. Experimental studies and prediction algorithms are not available or were not evaluated, and the functional significance of this variant is currently unknown. Algorithms developed to predict the effect of sequence changes on RNA splicing suggest that this variant is not likely to affect RNA splicing. In summary, the available evidence is currently insufficient to determine the role of this variant in disease. Therefore, it has been classified as a Variant of Uncertain Significance.